The following is an entry in ClinVar:

ClinVar aggregate classification (germline): Uncertain significance (1 of 4 stars; one submission).

Conditions:
Chudley-McCullough syndrome (CMCS). Also called: Deafness, autosomal recessive 82; DEAFNESS, SENSORINEURAL, WITH PARTIAL AGENESIS OF THE CORPUS CALLOSUM AND ARACHNOID CYSTS. Identifiers: Orphanet 314597, MedGen C1858695, MONDO:0011411, OMIM 604213.

gnomAD v4.1: 3 of 1,614,190 alleles (0.00019%); highest among the groups gnomAD compares: Admixed American, 0.0017%; no homozygotes.

Submission:

Juno Genomics, Hangzhou Juno Genomics, Inc
Classification: Uncertain significance for Chudley-McCullough syndrome. Review status: criteria provided, single submitter. Criteria: ACMG Guidelines, 2015. Collection method: clinical testing. Allele origin: germline.
Comment: Absent from controls (or at extremely low frequency if recessive) in Genome Aggregation Database.;Multiple lines of computational evidence support a deleterious effect on the gene or gene product.

NM_013296.5(GPSM2):c.113G>A (p.Gly38Glu)

Gene: GPSM2 (G protein signaling modulator 2; plus strand). Cytogenetic location: 1p13.3.
Variant type: single nucleotide variant.
Coding change: c.113G>A on transcript NM_013296.5 (MANE Select); coding-DNA position 113, G replaced by A.
Protein change: p.Gly38Glu; replaces glycine 38 with glutamic acid.
Molecular consequence: missense variant.
Genome position (GRCh38, 1-based): chr1:108,896,920, G>A. VCF-style: chr1-108896920-G-A. GRCh37 (hg19) VCF-style: chr1-109439542-G-A.
Other names: c.113G>A, p.Gly38Glu (NM_001321038.2, NM_001321039.3); short protein forms G38E.
Identifiers: ClinVar variation 5018928 (VCV005018928.2).
Genomic context (GRCh38, chr1:108,896,920, plus strand): 5'-GTAGAATGGAAGCTTCTTGCCTAGAGCTGGCCTTGGAAGGGGAACGTCTATGTAAATCAG[G>A]AGACTGCCGCGCTGGCGTGTCATTCTTTGAAGCTGCAGTTCAAGTTGGAACTGAAGACCT-3'
Protein context (NP_037428.3, residues 28-48): ALEGERLCKS[Gly38Glu]DCRAGVSFFE